The following is an entry in ClinVar:

NM_001101362.3(KBTBD13):c.640G>A (p.Val214Met)

Gene: KBTBD13 (kelch repeat and BTB domain containing 13; plus strand). Cytogenetic location: 15q22.31.
Variant type: single nucleotide variant.
Coding change: c.640G>A on transcript NM_001101362.3 (MANE Select); coding-DNA position 640, G replaced by A.
Protein change: p.Val214Met; replaces valine 214 with methionine.
Molecular consequence: missense variant.
Genome position (GRCh38, 1-based): chr15:65,077,455, G>A. VCF-style: chr15-65077455-G-A. GRCh37 (hg19) VCF-style: chr15-65369793-G-A.
Other names: short protein forms V214M.
Identifiers: ClinVar variation 1920295 (VCV001920295.5), dbSNP rs777911618, ClinGen allele CA7613950.

ClinVar aggregate classification (germline): Uncertain significance (1 of 4 stars; one submission).

Conditions:
Nemaline myopathy 6 (NEM6). Also called: Nemaline myopathy 6, autosomal dominant. Identifiers: Orphanet 171439, MedGen C1836472, MONDO:0012237, OMIM 609273.

Allele frequency attached by ClinVar (database versions not stated): TOPMed below 0.00001; gnomAD 0.00001; ExAC 0.00008; 1000 Genomes Project 30x 0.00016.

Submission:

Labcorp Genetics (formerly Invitae), Labcorp
Classification: Uncertain significance for Nemaline myopathy 6. Last evaluated: 2026-01-27. Review status: criteria provided, single submitter. Criteria: Invitae Variant Classification Sherloc (09022015). Collection method: clinical testing. Allele origin: germline.
Comment: This sequence change replaces valine, which is neutral and non-polar, with methionine, which is neutral and non-polar, at codon 214 of the KBTBD13 protein (p.Val214Met). The frequency data for this variant in the population databases is considered unreliable, as metrics indicate poor data quality at this position in the gnomAD database. This variant has not been reported in the literature in individuals affected with KBTBD13-related conditions. ClinVar contains an entry for this variant (Variation ID: 1920295). Invitae Evidence Modeling of protein sequence and biophysical properties (such as structural, functional, and spatial information, amino acid conservation, physicochemical variation, residue mobility, and thermodynamic stability) indicates that this missense variant is not expected to disrupt KBTBD13 protein function with a negative predictive value of 80%. In summary, the available evidence is currently insufficient to determine the role of this variant in disease. Therefore, it has been classified as a Variant of Uncertain Significance.